The following is an entry in ClinVar:

NM_032737.4(LMNB2):c.331G>T (p.Ala111Ser)

Gene: LMNB2 (lamin B2; minus strand). Cytogenetic location: 19p13.3.
Variant type: single nucleotide variant.
Coding change: c.331G>T on transcript NM_032737.4 (MANE Select); coding-DNA position 331, G replaced by T.
Protein change: p.Ala111Ser; replaces alanine 111 with serine.
Molecular consequence: missense variant.
Genome position (GRCh38, 1-based): chr19:2,444,474, C>A on the plus strand (G>T on the coding strand, the complement: LMNB2 is on the minus strand). VCF-style: chr19-2444474-C-A. GRCh37 (hg19) VCF-style: chr19-2444472-C-A.
Other names: short protein forms A111S.
Identifiers: ClinVar variation 655365 (VCV000655365.1), dbSNP rs1599338116, ClinGen allele CA403259375.

ClinVar aggregate classification (germline): Uncertain significance (1 of 4 stars; one submission).

Conditions:
Progressive myoclonic epilepsy type 9. Identifiers: Orphanet 457265, MedGen C4225289, MONDO:0014685, OMIM 616540.
Lipodystrophy, partial, acquired, susceptibility to (APLD). Also called: APLD, SUSCEPTIBILITY TO. Identifiers: MedGen C3887501, MONDO:0100476, OMIM 608709.

Submission:

Labcorp Genetics (formerly Invitae), Labcorp
Classification: Uncertain significance for Epilepsy, progressive myoclonic, 9; Lipodystrophy, partial, acquired, susceptibility to. Last evaluated: 2018-11-09. Review status: criteria provided, single submitter. Criteria: Invitae Variant Classification Sherloc (09022015). Collection method: clinical testing. Allele origin: germline.
Comment: This sequence change replaces alanine with serine at codon 111 of the LMNB2 protein (p.Ala111Ser). The alanine residue is highly conserved and there is a moderate physicochemical difference between alanine and serine. This variant is not present in population databases (ExAC no frequency). This variant has not been reported in the literature in individuals with LMNB2-related disease. Algorithms developed to predict the effect of missense changes on protein structure and function (SIFT, PolyPhen-2, Align-GVGD) all suggest that this variant is likely to be disruptive, but these predictions have not been confirmed by published functional studies and their clinical significance is uncertain. In summary, the available evidence is currently insufficient to determine the role of this variant in disease. Therefore, it has been classified as a Variant of Uncertain Significance.